The following is an entry in ClinVar:

ClinVar aggregate classification (germline): Likely pathogenic (1 of 4 stars; one submission).

Conditions:
Propionic acidemia (PROP). Also called: GLYCINEMIA, KETOTIC; HYPERGLYCINEMIA WITH KETOACIDOSIS AND LEUKOPENIA; KETOTIC HYPERGLYCINEMIA. Identifiers: Orphanet 35, MedGen C0268579, MONDO:0011628, OMIM 606054, HP:0003571.

gnomAD v4.1: 1 of 1,611,504 alleles (0.000062%); highest among the groups gnomAD compares: South Asian, 0.0011%; no homozygotes.

Submission:

Labcorp Genetics (formerly Invitae), Labcorp
Classification: Likely pathogenic for Propionic acidemia. Last evaluated: 2024-03-21. Review status: criteria provided, single submitter. Criteria: Invitae Variant Classification Sherloc (09022015). Collection method: clinical testing. Allele origin: germline.
Comment: This sequence change affects a donor splice site in intron 12 of the PCCB gene. It is expected to disrupt RNA splicing. Variants that disrupt the donor or acceptor splice site typically lead to a loss of protein function (PMID: 16199547), and loss-of-function variants in PCCB are known to be pathogenic (PMID: 15464417). This variant is not present in population databases (gnomAD no frequency). This variant has not been reported in the literature in individuals affected with PCCB-related conditions. Algorithms developed to predict the effect of sequence changes on RNA splicing suggest that this variant may disrupt the consensus splice site. In summary, the currently available evidence indicates that the variant is pathogenic, but additional data are needed to prove that conclusively. Therefore, this variant has been classified as Likely Pathogenic.

Literature cited by the submitters: PubMed 16199547; PubMed 15464417.

NM_000532.5(PCCB):c.1299+1G>T

Gene: PCCB (propionyl-CoA carboxylase subunit beta; plus strand). Cytogenetic location: 3q22.3.
Variant type: single nucleotide variant.
Coding change: c.1299+1G>T on transcript NM_000532.5 (MANE Select); the canonical splice donor site of the intron after coding-DNA position 1299, G replaced by T.
Molecular consequence: splice donor variant.
Genome position (GRCh38, 1-based): chr3:136,327,256, G>T. VCF-style: chr3-136327256-G-T. GRCh37 (hg19) VCF-style: chr3-136046098-G-T.
Other names: c.1359+1G>T (NM_001178014.2).
Identifiers: ClinVar variation 3647286 (VCV003647286.2).